The following is an entry in ClinVar:

ClinVar aggregate classification (germline): Uncertain significance. Review status: criteria provided, multiple submitters, no conflicts (2 of 4 stars). 2 submissions from 2 submitters: Uncertain significance (2). Last evaluated 2023-08-04.

Conditions:
Inborn genetic diseases. Identifiers: MedGen C0950123, MeSH D030342.

Allele frequency attached by ClinVar (database versions not stated): TOPMed below 0.00001; gnomAD 0.00001; gnomAD exomes 0.00001; ExAC 0.00003.
gnomAD v4.1: 21 of 1,612,870 alleles (0.0013%); highest among the groups gnomAD compares: East Asian, 0.0022%; no homozygotes.

Submissions (2):

Ambry Genetics
Classification: Uncertain significance for Inborn genetic diseases. Last evaluated: 2023-08-04. Review status: criteria provided, single submitter. Criteria: Ambry Variant Classification Scheme 2023. Collection method: clinical testing. Allele origin: germline.

Labcorp Genetics (formerly Invitae), Labcorp
Classification: Uncertain significance. Last evaluated: 2022-05-21. Review status: criteria provided, single submitter. Criteria: Invitae Variant Classification Sherloc (09022015). Collection method: clinical testing. Allele origin: germline.
Comment: This sequence change replaces isoleucine, which is neutral and non-polar, with valine, which is neutral and non-polar, at codon 339 of the EIF2AK3 protein (p.Ile339Val). This variant is present in population databases (rs779996738, gnomAD 0.007%). This variant has not been reported in the literature in individuals affected with EIF2AK3-related conditions. Algorithms developed to predict the effect of missense changes on protein structure and function (SIFT, PolyPhen-2, Align-GVGD) all suggest that this variant is likely to be tolerated. In summary, the available evidence is currently insufficient to determine the role of this variant in disease. Therefore, it has been classified as a Variant of Uncertain Significance.

NM_004836.7(EIF2AK3):c.1015A>G (p.Ile339Val)

Gene: EIF2AK3 (eukaryotic translation initiation factor 2 alpha kinase 3; minus strand). Cytogenetic location: 2p11.2.
Variant type: single nucleotide variant.
Coding change: c.1015A>G on transcript NM_004836.7 (MANE Select); coding-DNA position 1015, A replaced by G.
Protein change: p.Ile339Val; replaces isoleucine 339 with valine.
Molecular consequence: missense variant.
Genome position (GRCh38, 1-based): chr2:88,590,593, T>C on the plus strand (A>G on the coding strand, the complement: EIF2AK3 is on the minus strand). VCF-style: chr2-88590593-T-C. GRCh37 (hg19) VCF-style: chr2-88890111-T-C.
Other names: c.562A>G, p.Ile188Val (NM_001313915.2); c.1015A>G (NM_004836.5); short protein forms I188V, I339V.
Identifiers: ClinVar variation 1906535 (VCV001906535.4), dbSNP rs779996738, ClinGen allele CA1754782.